The following is an entry in ClinVar:

ClinVar aggregate classification (germline): Uncertain significance (1 of 4 stars; one submission).

Conditions:
BAP1-related tumor predisposition syndrome (TPDS1). Also called: COMMON Syndrome; Tumor susceptibility linked to germline BAP1 mutations; TUMOR PREDISPOSITION SYNDROME 1; BAP1 tumor predisposition syndrome. Identifiers: Orphanet 289539, MedGen C3280492, MONDO:0013692, OMIM 614327.

Submission:

Labcorp Genetics (formerly Invitae), Labcorp
Classification: Uncertain significance for BAP1-related tumor predisposition syndrome. Last evaluated: 2016-07-08. Review status: criteria provided, single submitter. Criteria: Invitae Variant Classification Sherloc (09022015). Collection method: clinical testing. Allele origin: germline.
Comment: In summary, this variant is a novel missense change that is not predicted to affect protein function. There is no indication that it causes disease, but the available evidence is currently insufficient to prove that conclusively. Therefore, it has been classified as a Variant of Uncertain Significance. Algorithms developed to predict the effect of missense changes on protein structure and function (SIFT, PolyPhen-2, Align-GVGD) all suggest that this variant is likely to be tolerated, but these predictions have not been confirmed by published functional studies. This variant is not present in population databases (ExAC no frequency) and has not been reported in the literature in individuals with a BAP1-related disease. This sequence change replaces tyrosine with phenylalanine at codon 627 of the BAP1 protein (p.Tyr627Phe). The tyrosine residue is moderately conserved and there is a small physicochemical difference between tyrosine and phenylalanine.

NM_004656.4(BAP1):c.1880A>T (p.Tyr627Phe)

Gene: BAP1 (BRCA1 associated deubiquitinase 1; minus strand). Cytogenetic location: 3p21.1.
Variant type: single nucleotide variant.
Coding change: c.1880A>T on transcript NM_004656.4 (MANE Select); coding-DNA position 1880, A replaced by T.
Protein change: p.Tyr627Phe; replaces tyrosine 627 with phenylalanine.
Molecular consequence: missense variant.
Genome position (GRCh38, 1-based): chr3:52,403,148, T>A on the plus strand (A>T on the coding strand, the complement: BAP1 is on the minus strand). VCF-style: chr3-52403148-T-A. GRCh37 (hg19) VCF-style: chr3-52437164-T-A.
Other names: short protein forms Y627F.
Identifiers: ClinVar variation 412431 (VCV000412431.5), dbSNP rs1060503742, ClinGen allele CA16611338.
Genomic context (GRCh38, chr3:52,403,148, plus strand): 5'-GGCCTTACCCTCTGCCAGGATTAAAGGAGAAAACCACAACGGAGGCTCACCTTGGGTGAG[T>A]ATTTCTCCCCACTCAAGGGCTCGCCAGGCCTCACCATCCCCGTCTTCTCTCTGCTGTCCG-3'
Protein context (NP_004647.1, residues 617-637): RPGEPLSGEK[Tyr627Phe]SPKELLALLK